The following is an entry in ClinVar:

ClinVar aggregate classification (germline): Pathogenic/Likely pathogenic. Review status: criteria provided, multiple submitters, no conflicts (2 of 4 stars). 2 submissions from 2 submitters: Pathogenic (1); Likely pathogenic (1). Last evaluated 2019-02-02.

Conditions:
Cystic fibrosis (CF). Also called: MUCOVISCIDOSIS. Identifiers: Orphanet 586, MedGen C0010674, MONDO:0009061, OMIM 219700. Disease mechanism: loss of function.

Submissions (2):

Myriad Genetics, Inc.
Classification: Likely pathogenic for Cystic fibrosis. Last evaluated: 2019-02-02. Review status: criteria provided, single submitter. Criteria: Myriad Women's Health Autosomal Recessive and X-Linked Classification Criteria (2019). Collection method: clinical testing. Allele origin: unknown.
Comment: NM_000492.3(CFTR):c.3267G>A(W1089*) is expected to be pathogenic in the context of cystic fibrosis. This variant is predicted to lead to an abnormal or absent protein product due to the creation of a premature termination codon in CFTR, a gene where loss-of-function variants are known to be pathogenic. Please note: this variant was assessed in the context of healthy population screening.

Ambry Genetics
Classification: Pathogenic for Cystic fibrosis. Last evaluated: 2015-05-21. Review status: criteria provided, single submitter. Criteria: Ambry Variant Classification Scheme 2023. Collection method: clinical testing. Allele origin: germline.
Comment: The p.W1089* pathogenic mutation (also known as c.3267G>A), located in coding exon 20 of the CFTR gene, results from a G to A substitution at nucleotide position 3266. This changes the amino acid from a tryptophan to a stop codon within coding exon 20. Another nucleotide substitution (c.3266G>A, also known as 3398G>A) resulting in the same protein alteration was originally reported in two non-Ashkenazi Jewish CF patients with pancreatic insufficiency, both of whom had a parent carrying the alteration (Shoshani et al. Hum. Molec. Genet.1994;3:657-658). This pathogenic mutation is associated with pancreatic insufficiency (PI), decreased lung function, and elevated sweat chloride levels (The Clinical and Functional Translation of CFTR (CFTR2); available at CFTR2. Accessed Dec 3, 2014 and Sosnay PR et al. Nat.Genet.2013;45(10):1160-1167). In addition to the clinical data presented in the literature, since premature stop codons are typically deleterious in nature, this alteration is interpreted as a disease-causing mutation (ACMG Recommendations for Standards for Interpretation and Reporting of Sequence Variations. Revision 2007. Genet Med. 2008;10:294).

NM_000492.4(CFTR):c.3267G>A (p.Trp1089Ter)

Genes: CFTR (CF transmembrane conductance regulator; plus strand), CFTR-AS2 (CFTR antisense RNA 2; minus strand), LOC111674472 (DNase I hypersensitive sites in introns 16 and 17a of CFTR; plus strand). Cytogenetic location: 7q31.2.
Variant type: single nucleotide variant.
Coding change: c.3267G>A on transcript NM_000492.4 (MANE Select); coding-DNA position 3267, G replaced by A.
Protein change: p.Trp1089Ter; replaces tryptophan 1089 with a stop codon.
Molecular consequence: nonsense.
Genome position (GRCh38, 1-based): chr7:117,611,708, G>A. VCF-style: chr7-117611708-G-A. GRCh37 (hg19) VCF-style: chr7-117251762-G-A.
Other names: short protein forms W1089*.
Identifiers: ClinVar variation 983864 (VCV000983864.5), dbSNP rs150020260, ClinGen allele CA368992315.